The following is an entry in ClinVar:

NM_001291415.2(KDM6A):c.371C>G (p.Ser124Cys)

Gene: KDM6A (lysine demethylase 6A; plus strand). Cytogenetic location: Xp11.3.
Variant type: single nucleotide variant.
Coding change: c.371C>G on transcript NM_001291415.2 (MANE Select); coding-DNA position 371, C replaced by G.
Protein change: p.Ser124Cys; replaces serine 124 with cysteine.
Molecular consequence: missense variant. On other transcripts: 5 prime UTR variant (1), non-coding transcript variant (1).
Genome position (GRCh38, 1-based): chrX:44,974,702, C>G. VCF-style: chrX-44974702-C-G. GRCh37 (hg19) VCF-style: chrX-44833947-C-G.
Other names: c.371C>G, p.Ser124Cys (NM_001291416.2, NM_001291417.2, NM_001291418.2 and 9 more transcripts); c.-262C>G (NM_001291421.2); short protein forms S124C.
Identifiers: ClinVar variation 2630163 (VCV002630163.1), dbSNP rs2039533778, ClinGen allele CA413021432.

ClinVar aggregate classification (germline): Uncertain significance (1 of 4 stars; one submission).

Conditions:
KDM6A-related disorder. Also called: KDM6A-related condition.

Submission:

PreventionGenetics, part of Exact Sciences
Classification: Uncertain significance for KDM6A-related condition. Last evaluated: 2023-01-25. Review status: criteria provided, single submitter. Criteria: ACMG Guidelines, 2015. Collection method: clinical testing. Allele origin: germline.
Comment: The KDM6A c.371C>G variant is predicted to result in the amino acid substitution p.Ser124Cys. To our knowledge, this variant has not been reported in the literature or in a large population database, indicating this variant is rare. At this time, the clinical significance of this variant is uncertain due to the absence of conclusive functional and genetic evidence.